The following is an entry in ClinVar:

ClinVar aggregate classification (germline): Conflicting classifications of pathogenicity. Review status: criteria provided, conflicting classifications (1 of 4 stars). 2 submissions from 2 submitters: Likely pathogenic (1); Uncertain significance (1). Last evaluated 2024-07-08.

Conditions:
Dihydropyrimidine dehydrogenase deficiency (DPYDD). Also called: DPD DEFICIENCY; DPYD DEFICIENCY; Hereditary Thymine-Uraciluria. Identifiers: Orphanet 1675, MedGen C1959620, MONDO:0010130, OMIM 274270.

Allele frequency attached by ClinVar (database versions not stated): gnomAD exomes 0.00001 and below 0.00001; gnomAD 0.00001; TOPMed 0.00001; ExAC 0.00002.
gnomAD v4.1: 12 of 1,582,104 alleles (0.00076%); highest among the groups gnomAD compares: Non-Finnish European, 0.001%; no homozygotes.

Submissions (3):

Women's Health and Genetics/Laboratory Corporation of America, LabCorp
Classification: Likely pathogenic for Dihydropyrimidine dehydrogenase deficiency. Last evaluated: 2024-07-08. Review status: criteria provided, single submitter. Criteria: LabCorp Variant Classification Summary - May 2015. Collection method: clinical testing. Allele origin: germline.
Comment: Variant summary: DPYD c.1974+1G>A is located in a canonical splice-site and is predicted to affect mRNA splicing resulting in a significantly altered protein due to either exon skipping, shortening, or inclusion of intronic material. Several computational tools predict a significant impact on normal splicing: Three predict the variant abolishes a 5' splicing donor site. However, these predictions have yet to be confirmed by functional studies. The variant allele was found at a frequency of 4.1e-06 in 245462 control chromosomes. To our knowledge, no occurrence of c.1974+1G>A in individuals affected with Dihydropyrimidine Dehydrogenase Deficiency and no experimental evidence demonstrating its impact on protein function have been reported. ClinVar contains an entry for this variant (Variation ID: 450621). Based on the evidence outlined above, the variant was classified as likely pathogenic.

GeneDx
Classification: Uncertain significance. Last evaluated: 2024-03-05. Review status: criteria provided, single submitter. Criteria: GeneDx Variant Classification Process June 2021. Collection method: clinical testing. Allele origin: germline. Affected: yes.
Comment: Not observed at significant frequency in large population cohorts (gnomAD); Canonical splice site variant with an unclear effect on protein function; Has not been previously published as pathogenic or benign to our knowledge

Dr. Peter K. Rogan Lab, Western University
No classification provided (evidence only). Condition: Uterine carcinosarcoma. Review status: no classification provided. Collection method: in vitro. Allele origin: not applicable. Functional consequence: retained intron. Not counted in ClinVar's aggregate classification.

NM_000110.4(DPYD):c.1974+1G>A

Gene: DPYD (dihydropyrimidine dehydrogenase; minus strand). Cytogenetic location: 1p21.3.
Variant type: single nucleotide variant.
Coding change: c.1974+1G>A on transcript NM_000110.4 (MANE Select); the canonical splice donor site of the intron after coding-DNA position 1974, G replaced by A.
Molecular consequence: splice donor variant.
Genome position (GRCh38, 1-based): chr1:97,382,392, C>T on the plus strand (G>A on the coding strand, the complement: DPYD is on the minus strand). VCF-style: chr1-97382392-C-T. GRCh37 (hg19) VCF-style: chr1-97847948-C-T.
Other names: NC_000001.10:g.97847948C>T.
Identifiers: ClinVar variation 450621 (VCV000450621.5), dbSNP rs772254904, ClinGen allele CA963185.